The following is an entry in ClinVar:

ClinVar aggregate classification (germline): Uncertain significance (1 of 4 stars; one submission).

Conditions:
Autosomal dominant nocturnal frontal lobe epilepsy 5. Also called: Epilepsy, nocturnal frontal lobe, 5; KCNT1-Related Epilepsy; CILIARY DYSKINESIA, PRIMARY, 28, WITHOUT SITUS INVERSUS; CILIARY DYSKINESIA, PRIMARY, 28, WITH SITUS INVERSUS. Identifiers: Orphanet 98784, MedGen C3554306, MONDO:0014002, OMIM 615005.
Developmental and epileptic encephalopathy, 14 (DEE14). Also called: Early infantile epileptic encephalopathy 14. Identifiers: Orphanet 293181, MedGen C3554195, MONDO:0013989, OMIM 614959.

Allele frequency attached by ClinVar (database versions not stated): gnomAD 0.00001; TOPMed 0.00001.
gnomAD v4.1: 5 of 1,574,032 alleles (0.00032%); highest among the groups gnomAD compares: Non-Finnish European, 0.000086%; no homozygotes.

Submission:

Labcorp Genetics (formerly Invitae), Labcorp
Classification: Uncertain significance for Autosomal dominant nocturnal frontal lobe epilepsy 5; Developmental and epileptic encephalopathy, 14. Last evaluated: 2021-12-19. Review status: criteria provided, single submitter. Criteria: Invitae Variant Classification Sherloc (09022015). Collection method: clinical testing. Allele origin: germline.
Comment: This variant is present in population databases (no rsID available, gnomAD 0.01%). This sequence change replaces glycine, which is neutral and non-polar, with alanine, which is neutral and non-polar, at codon 1125 of the KCNT1 protein (p.Gly1125Ala). This variant has not been reported in the literature in individuals affected with KCNT1-related conditions. In summary, the available evidence is currently insufficient to determine the role of this variant in disease. Therefore, it has been classified as a Variant of Uncertain Significance. Advanced modeling of protein sequence and biophysical properties (such as structural, functional, and spatial information, amino acid conservation, physicochemical variation, residue mobility, and thermodynamic stability) performed at Invitae indicates that this missense variant is not expected to disrupt KCNT1 protein function.

NM_020822.3(KCNT1):c.3374G>C (p.Gly1125Ala)

Gene: KCNT1 (potassium sodium-activated channel subfamily T member 1; plus strand). Cytogenetic location: 9q34.3.
Variant type: single nucleotide variant.
Coding change: c.3374G>C on transcript NM_020822.3 (MANE Select); coding-DNA position 3374, G replaced by C.
Protein change: p.Gly1125Ala; replaces glycine 1125 with alanine.
Molecular consequence: missense variant.
Genome position (GRCh38, 1-based): chr9:135,786,393, G>C. VCF-style: chr9-135786393-G-C. GRCh37 (hg19) VCF-style: chr9-138678239-G-C.
Other names: c.3239G>C, p.Gly1080Ala (NM_001272003.2); short protein forms G1080A, G1125A.
Identifiers: ClinVar variation 2169898 (VCV002169898.4), dbSNP rs1316682933, ClinGen allele CA375491878.